The following is an entry in ClinVar:

NM_153704.6(TMEM67):c.392T>C (p.Ile131Thr)

Gene: TMEM67 (transmembrane protein 67; plus strand). Cytogenetic location: 8q22.1.
Variant type: single nucleotide variant.
Coding change: c.392T>C on transcript NM_153704.6 (MANE Select); coding-DNA position 392, T replaced by C.
Protein change: p.Ile131Thr; replaces isoleucine 131 with threonine.
Molecular consequence: missense variant. On other transcripts: synonymous variant (1), non-coding transcript variant (1).
Genome position (GRCh38, 1-based): chr8:93,758,562, T>C. VCF-style: chr8-93758562-T-C. GRCh37 (hg19) VCF-style: chr8-94770790-T-C.
Other names: c.15T>C, p.His5= (NM_001142301.1); short protein forms I131T.
Identifiers: ClinVar variation 1497085 (VCV001497085.8), dbSNP rs2130545286, ClinGen allele CA371685916.

ClinVar aggregate classification (germline): Uncertain significance (1 of 4 stars; one submission).

Conditions:
Meckel-Gruber syndrome. Also called: DYSENCEPHALIA SPLANCHNOCYSTICA; GRUBER SYNDROME; Dysencephalia splachnocystica. Identifiers: Orphanet 564, MedGen C0265215, MONDO:0018921.
Joubert syndrome. Also called: CEREBELLOPARENCHYMAL DISORDER IV; JOUBERT-BOLTSHAUSER SYNDROME; Familial aplasia of the vermis. Identifiers: Orphanet 475, MedGen C5979921, MONDO:0018772.

Submission:

Labcorp Genetics (formerly Invitae), Labcorp
Classification: Uncertain significance for Joubert syndrome; Meckel-Gruber syndrome. Last evaluated: 2022-11-08. Review status: criteria provided, single submitter. Criteria: Invitae Variant Classification Sherloc (09022015). Collection method: clinical testing. Allele origin: germline.
Comment: In summary, the available evidence is currently insufficient to determine the role of this variant in disease. Therefore, it has been classified as a Variant of Uncertain Significance. Algorithms developed to predict the effect of missense changes on protein structure and function output the following: SIFT: "Tolerated"; PolyPhen-2: "Benign"; Align-GVGD: "Class C0". The threonine amino acid residue is found in multiple mammalian species, which suggests that this missense change does not adversely affect protein function. ClinVar contains an entry for this variant (Variation ID: 1497085). This variant has not been reported in the literature in individuals affected with TMEM67-related conditions. This variant is not present in population databases (gnomAD no frequency). This sequence change replaces isoleucine, which is neutral and non-polar, with threonine, which is neutral and polar, at codon 131 of the TMEM67 protein (p.Ile131Thr).